The following is an entry in ClinVar:

NM_002778.4(PSAP):c.125G>A (p.Cys42Tyr)

Gene: PSAP (prosaposin; minus strand). Cytogenetic location: 10q22.1.
Variant type: single nucleotide variant.
Coding change: c.125G>A on transcript NM_002778.4 (MANE Select); coding-DNA position 125, G replaced by A.
Protein change: p.Cys42Tyr; replaces cysteine 42 with tyrosine.
Molecular consequence: missense variant.
Genome position (GRCh38, 1-based): chr10:71,834,421, C>T on the plus strand (G>A on the coding strand, the complement: PSAP is on the minus strand). VCF-style: chr10-71834421-C-T. GRCh37 (hg19) VCF-style: chr10-73594178-C-T.
Other names: c.125G>A, p.Cys42Tyr (NM_001042465.3, NM_001042466.3); short protein forms C42Y.
Identifiers: ClinVar variation 1369622 (VCV001369622.6), dbSNP rs1171277739, ClinGen allele CA377155972.

ClinVar aggregate classification (germline): Uncertain significance (1 of 4 stars; one submission).

Conditions:
Sphingolipid activator protein 1 deficiency. Also called: Metachromatic leukodystrophy due to saposin B deficiency; Saposin B Deficiency; METACHROMATIC LEUKODYSTROPHY DUE TO CEREBROSIDE SULFATASE ACTIVATOR DEFICIENCY. Identifiers: Orphanet 512, MedGen C0268262, MONDO:0009590, OMIM 249900.

Allele frequency attached by ClinVar (database versions not stated): gnomAD exomes below 0.00001; gnomAD 0.00001.
gnomAD v4.1: 2 of 1,613,924 alleles (0.00012%); highest among the groups gnomAD compares: South Asian, 0.0011%; no homozygotes.

Submission:

Labcorp Genetics (formerly Invitae), Labcorp
Classification: Uncertain significance for Sphingolipid activator protein 1 deficiency. Last evaluated: 2021-07-30. Review status: criteria provided, single submitter. Criteria: Invitae Variant Classification Sherloc (09022015). Collection method: clinical testing. Allele origin: germline.
Comment: In summary, the available evidence is currently insufficient to determine the role of this variant in disease. Therefore, it has been classified as a Variant of Uncertain Significance. Algorithms developed to predict the effect of missense changes on protein structure and function are either unavailable or do not agree on the potential impact of this missense change (SIFT: "Not Available"; PolyPhen-2: "Probably Damaging"; Align-GVGD: "Not Available"). This variant has not been reported in the literature in individuals affected with PSAP-related conditions. This variant is not present in population databases (ExAC no frequency). This sequence change replaces cysteine with tyrosine at codon 42 of the PSAP protein (p.Cys42Tyr). The cysteine residue is highly conserved and there is a large physicochemical difference between cysteine and tyrosine.